The following is an entry in ClinVar:

NM_138773.4(SLC25A46):c.385G>A (p.Val129Ile)

Gene: SLC25A46 (solute carrier family 25 member 46; plus strand). Cytogenetic location: 5q22.1.
Variant type: single nucleotide variant.
Coding change: c.385G>A on transcript NM_138773.4 (MANE Select); coding-DNA position 385, G replaced by A.
Protein change: p.Val129Ile; replaces valine 129 with isoleucine.
Molecular consequence: missense variant. On other transcripts: non-coding transcript variant (1).
Genome position (GRCh38, 1-based): chr5:110,746,269, G>A. VCF-style: chr5-110746269-G-A. GRCh37 (hg19) VCF-style: chr5-110081970-G-A.
Other names: c.385G>A, p.Val129Ile (NM_001303249.3); c.112G>A, p.Val38Ile (NM_001303250.3); short protein forms V129I, V38I.
Identifiers: ClinVar variation 570174 (VCV000570174.9), dbSNP rs766440921, ClinGen allele CA3364586.

ClinVar aggregate classification (germline): Uncertain significance (1 of 4 stars; one submission).

Conditions:
Neuropathy, hereditary motor and sensory, type 6B (HMSN6B). Also called: HMSN VIB; CHARCOT-MARIE-TOOTH DISEASE, TYPE 6B; NEUROPATHY, HEREDITARY MOTOR AND SENSORY, TYPE VIB, WITH OPTIC ATROPHY; Neuropathy, hereditary motor and sensory, type VIB. Identifiers: MedGen C4225302, MONDO:0014671, OMIM 616505.

Allele frequency attached by ClinVar (database versions not stated): gnomAD exomes below 0.00001; TOPMed below 0.00001; ExAC 0.00001; gnomAD 0.00001.

Submission:

Labcorp Genetics (formerly Invitae), Labcorp
Classification: Uncertain significance for Neuropathy, hereditary motor and sensory, type 6B. Last evaluated: 2025-07-28. Review status: criteria provided, single submitter. Criteria: Invitae Variant Classification Sherloc (09022015). Collection method: clinical testing. Allele origin: germline.
Comment: This sequence change replaces valine, which is neutral and non-polar, with isoleucine, which is neutral and non-polar, at codon 129 of the SLC25A46 protein (p.Val129Ile). This variant is present in population databases (rs766440921, gnomAD 0.004%). This variant has not been reported in the literature in individuals affected with SLC25A46-related conditions. ClinVar contains an entry for this variant (Variation ID: 570174). An algorithm developed to predict the effect of missense changes on protein structure and function (PolyPhen-2) suggests that this variant is likely to be disruptive. In summary, the available evidence is currently insufficient to determine the role of this variant in disease. Therefore, it has been classified as a Variant of Uncertain Significance.